The following is an entry in ClinVar:

NM_000179.3(MSH6):c.3134A>C (p.Lys1045Thr)

Gene: MSH6 (mutS homolog 6; plus strand). Cytogenetic location: 2p16.3.
Variant type: single nucleotide variant.
Coding change: c.3134A>C on transcript NM_000179.3 (MANE Select); coding-DNA position 3134, A replaced by C.
Protein change: p.Lys1045Thr; replaces lysine 1045 with threonine.
Molecular consequence: missense variant.
Genome position (GRCh38, 1-based): chr2:47,801,117, A>C. VCF-style: chr2-47801117-A-C. GRCh37 (hg19) VCF-style: chr2-48028256-A-C.
Other names: c.2744A>C, p.Lys915Thr (NM_001281492.2); c.2228A>C, p.Lys743Thr (NM_001281493.2, NM_001281494.2); c.3134A>C (NM_000179.2); short protein forms K1045T, K743T, K915T.
Identifiers: ClinVar variation 1010208 (VCV001010208.10), dbSNP rs1669552904, ClinGen allele CA346756672.
Genomic context (GRCh38, chr2:47,801,117, plus strand): 5'-GGGATGTATCATTGAAGGACTGCATGCGGCGACTGTTCTATAACTTTGATAAAAATTACA[A>C]GGACTGGCAGTCTGCTGTAGAGTGTATCGCAGTGTTGGGTAAGACTTTGAACAAGCTTGT-3'
Protein context (NP_000170.1, residues 1035-1055): RLFYNFDKNY[Lys1045Thr]DWQSAVECIA

ClinVar aggregate classification (germline): Uncertain significance. Review status: criteria provided, multiple submitters, no conflicts (2 of 4 stars). 2 submissions from 2 submitters: Uncertain significance (2). Last evaluated 2025-12-12.

Conditions:
Hereditary nonpolyposis colorectal neoplasms. Identifiers: MedGen C0009405, MeSH D003123.
Hereditary cancer-predisposing syndrome. Also called: Tumor predisposition; Hereditary neoplastic syndrome; Neoplastic Syndromes, Hereditary; Hereditary Cancer Syndrome. Identifiers: Orphanet 140162, MedGen C0027672, MeSH D009386, MONDO:0015356.

Submissions (2):

Ambry Genetics
Classification: Uncertain significance for Hereditary cancer-predisposing syndrome. Last evaluated: 2025-12-12. Review status: criteria provided, single submitter. Criteria: Ambry Variant Classification Scheme 2023. Collection method: clinical testing. Allele origin: germline.
Comment: The p.K1045T variant (also known as c.3134A>C), located in coding exon 4 of the MSH6 gene, results from an A to C substitution at nucleotide position 3134. The lysine at codon 1045 is replaced by threonine, an amino acid with similar properties. This amino acid position is conserved. In addition, the in silico prediction for this alteration is inconclusive. Based on the available evidence, the clinical significance of this variant remains unclear.

Labcorp Genetics (formerly Invitae), Labcorp
Classification: Uncertain significance for Hereditary nonpolyposis colorectal neoplasms. Last evaluated: 2020-09-25. Review status: criteria provided, single submitter. Criteria: Invitae Variant Classification Sherloc (09022015). Collection method: clinical testing. Allele origin: germline.
Comment: This sequence change replaces lysine with threonine at codon 1045 of the MSH6 protein (p.Lys1045Thr). The lysine residue is moderately conserved and there is a moderate physicochemical difference between lysine and threonine. This variant is not present in population databases (ExAC no frequency). This variant has not been reported in the literature in individuals with MSH6-related conditions. Advanced modeling of protein sequence and biophysical properties (such as structural, functional, and spatial information, amino acid conservation, physicochemical variation, residue mobility, and thermodynamic stability) performed at Invitae indicates that this missense variant is not expected to disrupt MSH6 protein function. In summary, the available evidence is currently insufficient to determine the role of this variant in disease. Therefore, it has been classified as a Variant of Uncertain Significance.